The following is an entry in ClinVar:

NM_002206.3(ITGA7):c.1144G>A (p.Gly382Arg)

Gene: ITGA7 (integrin subunit alpha 7; minus strand). Cytogenetic location: 12q13.2.
Variant type: single nucleotide variant.
Coding change: c.1144G>A on transcript NM_002206.3 (MANE Select); coding-DNA position 1144, G replaced by A.
Protein change: p.Gly382Arg; replaces glycine 382 with arginine.
Molecular consequence: missense variant. On other transcripts: 5 prime UTR variant (1).
Genome position (GRCh38, 1-based): chr12:55,698,431, C>T on the plus strand (G>A on the coding strand, the complement: ITGA7 is on the minus strand). VCF-style: chr12-55698431-C-T. GRCh37 (hg19) VCF-style: chr12-56092215-C-T.
Other names: c.1156G>A, p.Gly386Arg (NM_001144996.2, NM_001414029.1); c.865G>A, p.Gly289Arg (NM_001144997.2); c.817G>A, p.Gly273Arg (NM_001367993.1); c.-149G>A (NM_001367994.1); c.1144G>A, p.Gly382Arg (NM_001374465.1, NM_001414034.1); c.1276G>A, p.Gly426Arg (NM_001410977.1); c.1024G>A, p.Gly342Arg (NM_001414032.1); c.961G>A, p.Gly321Arg (NM_001414033.1); and 1 more; short protein forms G269R, G386R, G273R, G289R, G382R, G426R, G321R, G342R.
Identifiers: ClinVar variation 1915692 (VCV001915692.3), dbSNP rs146584244, ClinGen allele CA6616045.

ClinVar aggregate classification (germline): Uncertain significance. Review status: criteria provided, multiple submitters, no conflicts (2 of 4 stars). 2 submissions from 2 submitters: Uncertain significance (2). Last evaluated 2022-04-13.

Conditions:
Congenital muscular dystrophy due to integrin alpha-7 deficiency. Also called: MYOPATHY, CONGENITAL, DUE TO INTEGRIN ALPHA-7 DEFICIENCY; Congenital muscular dystrophy with integrin alpha-7 deficiency; Muscular dystrophy, congenital, due to ITGA7 deficiency. Identifiers: Orphanet 34520, MedGen C2750786, MONDO:0013177, OMIM 613204.

Allele frequency attached by ClinVar (database versions not stated): gnomAD exomes 0.00001; ExAC 0.00003; gnomAD 0.00003; TOPMed 0.00004; ESP Exome Variant Server 0.00008.
gnomAD v4.1: 14 of 1,613,586 alleles (0.00087%); highest among the groups gnomAD compares: African/African-American, 0.0067%; no homozygotes.

Submissions (2):

Ambry Genetics
Classification: Uncertain significance. Last evaluated: 2022-04-13. Review status: criteria provided, single submitter. Criteria: Ambry Variant Classification Scheme 2023. Collection method: clinical testing. Allele origin: germline.

Labcorp Genetics (formerly Invitae), Labcorp
Classification: Uncertain significance for Congenital muscular dystrophy due to integrin alpha-7 deficiency. Last evaluated: 2022-04-04. Review status: criteria provided, single submitter. Criteria: Invitae Variant Classification Sherloc (09022015). Collection method: clinical testing. Allele origin: germline.
Comment: This sequence change replaces glycine, which is neutral and non-polar, with arginine, which is basic and polar, at codon 382 of the ITGA7 protein (p.Gly382Arg). This variant is present in population databases (rs146584244, gnomAD 0.01%). This variant has not been reported in the literature in individuals affected with ITGA7-related conditions. Algorithms developed to predict the effect of missense changes on protein structure and function are either unavailable or do not agree on the potential impact of this missense change (SIFT: "Deleterious"; PolyPhen-2: "Probably Damaging"; Align-GVGD: "Class C15"). Algorithms developed to predict the effect of sequence changes on RNA splicing suggest that this variant may create or strengthen a splice site. In summary, the available evidence is currently insufficient to determine the role of this variant in disease. Therefore, it has been classified as a Variant of Uncertain Significance.